The following is an entry in ClinVar:

NM_015559.3(SETBP1):c.4715C>A (p.Pro1572His)

Gene: SETBP1 (SET binding protein 1; plus strand). Cytogenetic location: 18q12.3.
Variant type: single nucleotide variant.
Coding change: c.4715C>A on transcript NM_015559.3 (MANE Select); coding-DNA position 4715, C replaced by A.
Protein change: p.Pro1572His; replaces proline 1572 with histidine.
Molecular consequence: missense variant.
Genome position (GRCh38, 1-based): chr18:45,063,622, C>A. VCF-style: chr18-45063622-C-A. GRCh37 (hg19) VCF-style: chr18-42643587-C-A.
Other names: c.4715C>A, p.Pro1572His (NM_001379141.1, NM_001379142.1); c.4544C>A, p.Pro1515His (NM_001410862.1); short protein forms P1515H, P1572H.
Identifiers: ClinVar variation 3618665 (VCV003618665.2).

ClinVar aggregate classification (germline): Uncertain significance (1 of 4 stars; one submission).

Submission:

Labcorp Genetics (formerly Invitae), Labcorp
Classification: Uncertain significance. Last evaluated: 2024-11-24. Review status: criteria provided, single submitter. Criteria: Invitae Variant Classification Sherloc (09022015). Collection method: clinical testing. Allele origin: germline.
Comment: This sequence change replaces proline, which is neutral and non-polar, with histidine, which is basic and polar, at codon 1572 of the SETBP1 protein (p.Pro1572His). This variant is not present in population databases (gnomAD no frequency). This variant has not been reported in the literature in individuals affected with SETBP1-related conditions. An algorithm developed to predict the effect of missense changes on protein structure and function (PolyPhen-2) suggests that this variant is likely to be tolerated. In summary, the available evidence is currently insufficient to determine the role of this variant in disease. Therefore, it has been classified as a Variant of Uncertain Significance.